The following is an entry in ClinVar:

NM_206933.4(USH2A):c.14272C>A (p.Pro4758Thr)

Gene: USH2A (usherin; minus strand). Cytogenetic location: 1q41.
Variant type: single nucleotide variant.
Coding change: c.14272C>A on transcript NM_206933.4 (MANE Select); coding-DNA position 14272, C replaced by A.
Protein change: p.Pro4758Thr; replaces proline 4758 with threonine.
Molecular consequence: missense variant.
Genome position (GRCh38, 1-based): chr1:215,650,663, G>T on the plus strand (C>A on the coding strand, the complement: USH2A is on the minus strand). VCF-style: chr1-215650663-G-T. GRCh37 (hg19) VCF-style: chr1-215824005-G-T.
Other names: short protein forms P4758T.
Identifiers: ClinVar variation 1064142 (VCV001064142.9), dbSNP rs1159107276, ClinGen allele CA344835244.

ClinVar aggregate classification (germline): Uncertain significance (1 of 4 stars; one submission).

Allele frequency attached by ClinVar (database versions not stated): gnomAD exomes below 0.00001.
gnomAD v4.1: 1 of 1,614,102 alleles (0.000062%); highest among the groups gnomAD compares: Admixed American, 0.0017%; no homozygotes.

Submission:

Labcorp Genetics (formerly Invitae), Labcorp
Classification: Uncertain significance. Last evaluated: 2026-01-19. Review status: criteria provided, single submitter. Criteria: Invitae Variant Classification Sherloc (09022015). Collection method: clinical testing. Allele origin: germline.
Comment: This sequence change replaces proline, which is neutral and non-polar, with threonine, which is neutral and polar, at codon 4758 of the USH2A protein (p.Pro4758Thr). This variant is present in population databases (no rsID available, gnomAD 0.003%). This variant has not been reported in the literature in individuals affected with USH2A-related conditions. ClinVar contains an entry for this variant (Variation ID: 1064142). Invitae Evidence Modeling of protein sequence and biophysical properties (such as structural, functional, and spatial information, amino acid conservation, physicochemical variation, residue mobility, and thermodynamic stability) indicates that this missense variant is expected to disrupt USH2A protein function with a positive predictive value of 80%. In summary, the available evidence is currently insufficient to determine the role of this variant in disease. Therefore, it has been classified as a Variant of Uncertain Significance.